The following is an entry in ClinVar:

NM_015378.4(VPS13D):c.1618C>A (p.Leu540Ile)

Gene: VPS13D (vacuolar protein sorting 13 homolog D; plus strand). Cytogenetic location: 1p36.22.
Variant type: single nucleotide variant.
Coding change: c.1618C>A on transcript NM_015378.4 (MANE Select); coding-DNA position 1618, C replaced by A.
Protein change: p.Leu540Ile; replaces leucine 540 with isoleucine.
Molecular consequence: missense variant.
Genome position (GRCh38, 1-based): chr1:12,266,904, C>A. VCF-style: chr1-12266904-C-A. GRCh37 (hg19) VCF-style: chr1-12326961-C-A.
Other names: c.1618C>A, p.Leu540Ile (NM_018156.4); c.1618C>A (NM_015378.3); short protein forms L540I.
Identifiers: ClinVar variation 2063818 (VCV002063818.2), dbSNP rs750999686, ClinGen allele CA601580.

ClinVar aggregate classification (germline): Uncertain significance. Review status: criteria provided, multiple submitters, no conflicts (2 of 4 stars). 2 submissions from 2 submitters: Uncertain significance (2). Last evaluated 2023-06-02.

Allele frequency attached by ClinVar (database versions not stated): gnomAD 0.00002; gnomAD exomes 0.00002; ExAC 0.00006; TOPMed 0.00007.
gnomAD v4.1: 26 of 1,603,312 alleles (0.0016%); highest among the groups gnomAD compares: Admixed American, 0.046%; no homozygotes.

Submissions (2):

GeneDx
Classification: Uncertain significance. Last evaluated: 2023-06-02. Review status: criteria provided, single submitter. Criteria: GeneDx Variant Classification Process June 2021. Collection method: clinical testing. Allele origin: germline. Affected: yes.
Comment: In silico analysis supports that this missense variant has a deleterious effect on protein structure/function; Has not been previously published as pathogenic or benign to our knowledge

Labcorp Genetics (formerly Invitae), Labcorp
Classification: Uncertain significance. Last evaluated: 2022-08-21. Review status: criteria provided, single submitter. Criteria: Invitae Variant Classification Sherloc (09022015). Collection method: clinical testing. Allele origin: germline.
Comment: This sequence change replaces leucine, which is neutral and non-polar, with isoleucine, which is neutral and non-polar, at codon 540 of the VPS13D protein (p.Leu540Ile). This variant is present in population databases (rs750999686, gnomAD 0.08%). This variant has not been reported in the literature in individuals affected with VPS13D-related conditions. Algorithms developed to predict the effect of missense changes on protein structure and function are either unavailable or do not agree on the potential impact of this missense change (SIFT: "Tolerated"; PolyPhen-2: "Probably Damaging"; Align-GVGD: "Class C0"). In summary, the available evidence is currently insufficient to determine the role of this variant in disease. Therefore, it has been classified as a Variant of Uncertain Significance.